The following is an entry in ClinVar:

ClinVar aggregate classification (germline): Uncertain significance (1 of 4 stars; one submission).

gnomAD v4.1: 7 of 1,613,916 alleles (0.00043%); highest among the groups gnomAD compares: African/African-American, 0.0013%; no homozygotes.

Submission:

Labcorp Genetics (formerly Invitae), Labcorp
Classification: Uncertain significance. Last evaluated: 2024-12-24. Review status: criteria provided, single submitter. Criteria: Invitae Variant Classification Sherloc (09022015). Collection method: clinical testing. Allele origin: germline.
Comment: This sequence change replaces arginine, which is basic and polar, with lysine, which is basic and polar, at codon 1871 of the SON protein (p.Arg1871Lys). This variant is present in population databases (rs371048249, gnomAD 0.004%). This variant has not been reported in the literature in individuals affected with SON-related conditions. Experimental studies and prediction algorithms are not available or were not evaluated, and the functional significance of this variant is currently unknown. In summary, the available evidence is currently insufficient to determine the role of this variant in disease. Therefore, it has been classified as a Variant of Uncertain Significance.

NM_138927.4(SON):c.5612G>A (p.Arg1871Lys)

Gene: SON (SON DNA and RNA binding protein; plus strand). Cytogenetic location: 21q22.11.
Variant type: single nucleotide variant.
Coding change: c.5612G>A on transcript NM_138927.4 (MANE Select); coding-DNA position 5612, G replaced by A.
Protein change: p.Arg1871Lys; replaces arginine 1871 with lysine.
Molecular consequence: missense variant. On other transcripts: non-coding transcript variant (1), intron variant (1).
Genome position (GRCh38, 1-based): chr21:33,554,843, G>A. VCF-style: chr21-33554843-G-A. GRCh37 (hg19) VCF-style: chr21-34927149-G-A.
Other names: c.5612G>A, p.Arg1871Lys (NM_001291411.2, NM_032195.3); c.245-2313G>A (NM_001291412.3); short protein forms R1871K.
Identifiers: ClinVar variation 3620295 (VCV003620295.2).
Genomic context (GRCh38, chr21:33,554,843, plus strand): 5'-CATCTAAGTCCAAGTCTCATCGCTCTCAGACACGTTCACGGTCACGTTCAAGACGCAGGA[G>A]GAGAAGCAGCAGATCAAGATCAAAGTCTAGAGGAAGAAGATCTGTATCAAAAGAGAAGCG-3'
Protein context (NP_620305.3, residues 1861-1881): TRSRSRSRRR[Arg1871Lys]RSSRSRSKSR